The following is an entry in ClinVar:

ClinVar aggregate classification (germline): Uncertain significance. Review status: criteria provided, multiple submitters, no conflicts (2 of 4 stars). 4 submissions from 4 submitters: Uncertain significance (4). Last evaluated 2025-12-03.

Conditions:
Cardiovascular phenotype. Identifiers: MedGen CN230736.
Dilated cardiomyopathy 1G (CMD1G). Identifiers: Orphanet 154, MedGen C1858763, MONDO:0011400, OMIM 604145.
Autosomal recessive limb-girdle muscular dystrophy type 2J (LGMDR10). Also called: Limb-girdle muscular dystrophy, type 2J; MUSCULAR DYSTROPHY, LIMB-GIRDLE, AUTOSOMAL RECESSIVE 10. Identifiers: Orphanet 140922, MedGen C1837342, MONDO:0012127, OMIM 608807.

Submissions (4):

Labcorp Genetics (formerly Invitae), Labcorp
Classification: Uncertain significance for Dilated cardiomyopathy 1G; Autosomal recessive limb-girdle muscular dystrophy type 2J. Last evaluated: 2025-12-03. Review status: criteria provided, single submitter. Criteria: Invitae Variant Classification Sherloc (09022015). Collection method: clinical testing. Allele origin: germline.
Comment: This sequence change falls in intron 307 of the TTN gene. It does not directly change the encoded amino acid sequence of the TTN protein. It affects a nucleotide within the consensus splice site. This variant is present in population databases (no rsID available, gnomAD 0.01%). This variant has not been reported in the literature in individuals affected with TTN-related conditions. ClinVar contains an entry for this variant (Variation ID: 1366321). Variants that disrupt the consensus splice site are a relatively common cause of aberrant splicing (PMID: 17576681, 9536098). Algorithms developed to predict the effect of sequence changes on RNA splicing suggest that this variant may disrupt the consensus splice site. This variant is located in the A band of TTN (PMID: 25589632). Variants in this region may be relevant for cardiac or neuromuscular disorders (PMID: 25589632, 23975875). In summary, the available evidence is currently insufficient to determine the role of this variant in disease. Therefore, it has been classified as a Variant of Uncertain Significance.

GeneDx
Classification: Uncertain significance. Last evaluated: 2024-06-27. Review status: criteria provided, single submitter. Criteria: GeneDx Variant Classification Process June 2021. Collection method: clinical testing. Allele origin: germline. Affected: yes.
Comment: Intronic +5 splice site variant in a gene for which loss of function is a known mechanism of disease, and both splice predictors and evolutionary conservation support a deleterious effect, although in the absence of functional evidence the actual effect of this sequence change is unknown.; Located in the A-band region of TTN in which the majority of loss of function variants have been associated with autosomal dominant titinopathies (PMID: 22335739); Not observed at significant frequency in large population cohorts (gnomAD); Has not been previously published as pathogenic or benign to our knowledge

Mayo Clinic Laboratories, Mayo Clinic
Classification: Uncertain significance. Last evaluated: 2024-03-01. Review status: criteria provided, single submitter. Criteria: ACMG Guidelines, 2015. Collection method: clinical testing. Allele origin: germline. Observed: 1 variant allele.

Ambry Genetics
Classification: Uncertain significance for Cardiovascular phenotype. Last evaluated: 2023-05-16. Review status: criteria provided, single submitter. Criteria: Ambry Variant Classification Scheme 2023. Collection method: clinical testing. Allele origin: germline.
Comment: The c.36898+4_36898+7delAGTA intronic variant begins 4 nucleotides after coding exon 134 in the TTN gene. This variant results from a deletion of four nucleotides at positions c.36898+4 to c.36898+7. This nucleotide region is well conserved in available vertebrate species. In silico splice site analysis predicts that this alteration will weaken the native splice donor site. Since supporting evidence is limited at this time, the clinical significance of this alteration remains unclear.

Literature cited by the submitters: PubMed 17576681 (cited by Labcorp Genetics (formerly Invitae), Labcorp); PubMed 9536098 (cited by Labcorp Genetics (formerly Invitae), Labcorp); PubMed 25589632 (cited by Labcorp Genetics (formerly Invitae), Labcorp); PubMed 23975875 (cited by Labcorp Genetics (formerly Invitae), Labcorp).

NM_001267550.2(TTN):c.64093+4_64093+7del

Genes: TTN (titin; minus strand), TTN-AS1 (TTN antisense RNA 1; plus strand). Cytogenetic location: 2q31.2.
Variant type: Microsatellite.
Coding change: c.64093+4_64093+7del on transcript NM_001267550.2 (MANE Select); bases 4 to 7 of the intron after coding-DNA position 64093, 4 bases deleted (AGTA; older notation c.64093+4_64093+7delAGTA).
Molecular consequence: splice donor variant.
Genome position (GRCh38, 1-based): chr2:178,587,111-178,587,114, TACT deleted on the plus strand (AGTA on the coding strand, the reverse complement: TTN is on the minus strand); deleting any 4 consecutive bases within chr2:178,587,111-178,587,120 gives the same sequence; the c. name uses the placement nearest the transcript's 3' end. VCF-style (leftmost placement, unchanged base first): chr2-178587110-ATACT-A. GRCh37 (hg19) VCF-style: chr2-179451837-ATACT-A.
Other names: c.36898+4_36898+7delAGTA (NM_003319.4); c.36898+4_36898+7del (NM_003319.4); c.37474+4_37474+7del (NM_133437.4); c.37273+4_37273+7del (NM_133432.3); c.56389+4_56389+7del (NM_133378.4); c.59170+4_59170+7del (NM_001256850.1).
Identifiers: ClinVar variation 1366321 (VCV001366321.12), dbSNP rs1437065772, ClinGen allele CA538435543.